The following is an entry in ClinVar:

NM_000552.5(VWF):c.1293+18G>A

Gene: VWF (von Willebrand factor; minus strand). Cytogenetic location: 12p13.31.
Variant type: single nucleotide variant.
Coding change: c.1293+18G>A on transcript NM_000552.5 (MANE Select); 18 bases into the intron after coding-DNA position 1293, G replaced by A.
Molecular consequence: intron variant.
Genome position (GRCh38, 1-based): chr12:6,065,119, C>T on the plus strand (G>A on the coding strand, the complement: VWF is on the minus strand). VCF-style: chr12-6065119-C-T. GRCh37 (hg19) VCF-style: chr12-6174285-C-T.
Identifiers: ClinVar variation 3336113 (VCV003336113.1).

ClinVar aggregate classification (germline): Likely benign (1 of 4 stars; one submission).

gnomAD v4.1: 49 of 1,613,938 alleles (0.003%); highest among the groups gnomAD compares: African/African-American, 0.0093%; no homozygotes.

Submission:

Women's Health and Genetics/Laboratory Corporation of America, LabCorp
Classification: Likely benign. Last evaluated: 2024-05-07. Review status: criteria provided, single submitter. Criteria: LabCorp Variant Classification Summary - May 2015. Collection method: clinical testing. Allele origin: germline.
Comment: Variant summary: VWF c.1293+18G>A alters a nucleotide located at a position not widely known to affect splicing. Consensus agreement among computation tools predict no significant impact on normal splicing. However, these predictions have yet to be confirmed by functional studies. The variant allele was found at a frequency of 2.4e-05 in 251044 control chromosomes. The available data on variant occurrences in the general population are insufficient to allow any conclusion about variant significance. To our knowledge, no occurrence of c.1293+18G>A in individuals affected with Von Willebrand Disease and no experimental evidence demonstrating its impact on protein function have been reported. No submitters have cited clinical-significance assessments for this variant to ClinVar. Based on the evidence outlined above, the variant was classified as likely benign.